The following is an entry in ClinVar:

ClinVar aggregate classification (germline): Pathogenic/Likely pathogenic. Review status: criteria provided, multiple submitters, no conflicts (2 of 4 stars). 3 submissions from 3 submitters: Pathogenic (1); Likely pathogenic (2). Last evaluated 2024-07-22.

Conditions:
CFTR-related disorder (CFTR-RD). Also called: CFTR-related condition; CFTR-related disorders. Identifiers: MedGen C5924204, MONDO:7770004.
Cystic fibrosis (CF). Also called: MUCOVISCIDOSIS. Identifiers: Orphanet 586, MedGen C0010674, MONDO:0009061, OMIM 219700. Disease mechanism: loss of function.

Submissions (3):

Natera, Inc.
Classification: Likely pathogenic for CFTR-related disorders. Last evaluated: 2024-07-22. Review status: criteria provided, single submitter. Criteria: Natera Variant Classification Schema (03/2026). Collection method: clinical testing. Allele origin: germline.
Comment: The c.2909_2924dupGTGGGATTCTTAATAG variant in CFTR is a frameshift variant predicted to shift the reading frame beginning at codon 976 and leads to a stop codon 4 codons downstream. This variant is expected to result in nonsense mediated decay, truncation, or a dysfunctional protein product. This variant is rare in the general population with a frequency below the threshold expected for the associated phenotype(s). Given the available evidence, this variant is classified as Likely Pathogenic.

Labcorp Genetics (formerly Invitae), Labcorp
Classification: Pathogenic for Cystic fibrosis. Last evaluated: 2023-10-13. Review status: criteria provided, single submitter. Criteria: Invitae Variant Classification Sherloc (09022015). Collection method: clinical testing. Allele origin: germline.
Comment: This sequence change creates a premature translational stop signal (p.Phe976Trpfs*4) in the CFTR gene. It is expected to result in an absent or disrupted protein product. Loss-of-function variants in CFTR are known to be pathogenic (PMID: 1695717, 7691345, 9725922). This variant is present in population databases (no rsID available, gnomAD 0.01%). This premature translational stop signal has been observed in individual(s) with clinical features of CFTR-related conditions (Invitae). In at least one individual the data is consistent with being in trans (on the opposite chromosome) from a pathogenic variant. ClinVar contains an entry for this variant (Variation ID: 455773). For these reasons, this variant has been classified as Pathogenic.

Ambry Genetics
Classification: Likely pathogenic for Cystic fibrosis. Last evaluated: 2023-06-02. Review status: criteria provided, single submitter. Criteria: Ambry Variant Classification Scheme 2023. Collection method: clinical testing. Allele origin: germline.
Comment: The c.2909_2924dup16 variant, located in coding exon 18 of the CFTR gene, results from a duplication of GTGGGATTCTTAATAG at nucleotide position 2909. This 16 nucleotide duplication is expected to cause a translational frameshift with a predicted alternate stop codon (p.F976Wfs*4), which would result in loss of function by premature protein truncation or nonsense-mediated mRNA decay. However, this duplication could also create a new alternate acceptor site, which would produce a normal protein if used. Based on the majority of available evidence to date, this variant is likely to be pathogenic.

Literature cited by the submitters: PubMed 1695717 (cited by Labcorp Genetics (formerly Invitae), Labcorp); PubMed 7691345 (cited by Labcorp Genetics (formerly Invitae), Labcorp); PubMed 9725922 (cited by Labcorp Genetics (formerly Invitae), Labcorp).

NM_000492.3(CFTR):c.2909_2924dupGTGGGATTCTTAATAG

Genes: CFTR (CF transmembrane conductance regulator; plus strand), CFTR-AS2 (CFTR antisense RNA 2; minus strand). Cytogenetic location: 7q31.2.
Variant type: Duplication.
Coding change: c.2909_2924dupGTGGGATTCTTAATAG on transcript NM_000492.3; coding-DNA positions 2909 to 2924, 16 bases duplicated (GTGGGATTCTTAATAG).
Genome position (GRCh38, 1-based): chr7:117,606,674-117,606,689, GTGGGATTCTTAATAG duplicated; duplicating any 16 consecutive bases within chr7:117,606,670-117,606,689 gives the same sequence; the c. name uses the placement nearest the transcript's 3' end. VCF-style (leftmost placement, unchanged base first): chr7-117606669-T-TATAGGTGGGATTCTTA. GRCh37 (hg19) VCF-style: chr7-117246723-T-TATAGGTGGGATTCTTA.
Identifiers: ClinVar variation 455773 (VCV000455773.16), ClinGen allele CA577222492.